The following is an entry in ClinVar:

ClinVar aggregate classification (germline): Conflicting classifications of pathogenicity. Review status: criteria provided, conflicting classifications (1 of 4 stars). 2 submissions from 2 submitters: Uncertain significance (1); Benign (1). Last evaluated 2025-11-12.

Conditions:
Kabuki syndrome. Also called: NIIKAWA-KUROKI SYNDROME; Kabuki make-up syndrome. Identifiers: Orphanet 2322, MedGen C0796004, MONDO:0016512.

Submissions (2):

Women's Health and Genetics/Laboratory Corporation of America, LabCorp
Classification: Uncertain significance. Last evaluated: 2025-11-12. Review status: criteria provided, single submitter. Criteria: LabCorp Variant Classification Summary - May 2015. Collection method: clinical testing. Allele origin: germline.
Comment: Variant summary: KMT2D c.12845G>A (p.Arg4282Gln) results in a conservative amino acid change in the encoded protein sequence. Algorithms developed to predict the effect of missense changes on protein structure and function all suggest that this variant is likely to be tolerated. The variant allele was found at a frequency of 5.4e-06 in 186774 control chromosomes. The available data on variant occurrences in the general population are insufficient to allow any conclusion about variant significance. To our knowledge, no occurrence of c.12845G>A in individuals affected with KMT2D-related conditions and no experimental evidence demonstrating its impact on protein function have been reported. ClinVar contains an entry for this variant (Variation ID: 2715253). Based on the evidence outlined above, the variant was classified as uncertain significance.

Labcorp Genetics (formerly Invitae), Labcorp
Classification: Benign for Kabuki syndrome. Last evaluated: 2025-10-13. Review status: criteria provided, single submitter. Criteria: Invitae Variant Classification Sherloc (09022015). Collection method: clinical testing. Allele origin: germline.

NM_003482.4(KMT2D):c.12845G>A (p.Arg4282Gln)

Gene: KMT2D (lysine methyltransferase 2D; minus strand). Cytogenetic location: 12q13.12.
Variant type: single nucleotide variant.
Coding change: c.12845G>A on transcript NM_003482.4 (MANE Select); coding-DNA position 12845, G replaced by A.
Protein change: p.Arg4282Gln; replaces arginine 4282 with glutamine.
Molecular consequence: missense variant.
Genome position (GRCh38, 1-based): chr12:49,031,860, C>T on the plus strand (G>A on the coding strand, the complement: KMT2D is on the minus strand). VCF-style: chr12-49031860-C-T. GRCh37 (hg19) VCF-style: chr12-49425643-C-T.
Other names: short protein forms R4282Q.
Identifiers: ClinVar variation 2715253 (VCV002715253.4), dbSNP rs1020472849, ClinGen allele CA384708952.